The following is an entry in ClinVar:

NM_017849.4(TMEM127):c.259C>T (p.Pro87Ser)

Gene: TMEM127 (transmembrane protein 127; minus strand). Cytogenetic location: 2q11.2.
Variant type: single nucleotide variant.
Coding change: c.259C>T on transcript NM_017849.4 (MANE Select); coding-DNA position 259, C replaced by T.
Protein change: p.Pro87Ser; replaces proline 87 with serine.
Molecular consequence: missense variant.
Genome position (GRCh38, 1-based): chr2:96,254,983, G>A on the plus strand (C>T on the coding strand, the complement: TMEM127 is on the minus strand). VCF-style: chr2-96254983-G-A. GRCh37 (hg19) VCF-style: chr2-96920721-G-A.
Other names: c.259C>T, p.Pro87Ser (NM_001193304.3); c.7C>T, p.Pro3Ser (NM_001407282.1, NM_001407283.1); short protein forms P3S, P87S.
Identifiers: ClinVar variation 3457614 (VCV003457614.1).

ClinVar aggregate classification (germline): Uncertain significance (1 of 4 stars; one submission).

Conditions:
Hereditary cancer-predisposing syndrome. Also called: Tumor predisposition; Neoplastic Syndromes, Hereditary; Hereditary neoplastic syndrome; Hereditary Cancer Syndrome. Identifiers: Orphanet 140162, MedGen C0027672, MeSH D009386, MONDO:0015356.

Submission:

Ambry Genetics
Classification: Uncertain significance for Hereditary cancer-predisposing syndrome. Last evaluated: 2024-11-22. Review status: criteria provided, single submitter. Criteria: Ambry Variant Classification Scheme 2023. Collection method: clinical testing. Allele origin: germline.
Comment: The p.P87S variant (also known as c.259C>T), located in coding exon 2 of the TMEM127 gene, results from a C to T substitution at nucleotide position 259. The proline at codon 87 is replaced by serine, an amino acid with similar properties. This amino acid position is well conserved in available vertebrate species. In addition, this alteration is predicted to be tolerated by in silico analysis. Based on the available evidence, the clinical significance of this variant remains unclear.